The following is an entry in ClinVar:

ClinVar aggregate classification (germline): Uncertain significance (1 of 4 stars; one submission).

Conditions:
Sulfite oxidase deficiency due to molybdenum cofactor deficiency type C. Also called: Molybdenum cofactor deficiency, complementation group C; Molybdenum cofactor deficiency C. Identifiers: Orphanet 308400, Orphanet 833, MedGen C1854990, MONDO:0014212, OMIM 615501.

Submission:

Labcorp Genetics (formerly Invitae), Labcorp
Classification: Uncertain significance for Sulfite oxidase deficiency due to molybdenum cofactor deficiency type C. Last evaluated: 2023-02-27. Review status: criteria provided, single submitter. Criteria: Invitae Variant Classification Sherloc (09022015). Collection method: clinical testing. Allele origin: germline.
Comment: In summary, the available evidence is currently insufficient to determine the role of this variant in disease. Therefore, it has been classified as a Variant of Uncertain Significance. Algorithms developed to predict the effect of sequence changes on RNA splicing suggest that this variant is not likely to affect RNA splicing. This variant has not been reported in the literature in individuals affected with GPHN-related conditions. This variant is not present in population databases (gnomAD no frequency). This sequence change affects codon 130 of the GPHN mRNA. It is a 'silent' change, meaning that it does not change the encoded amino acid sequence of the GPHN protein. It affects a nucleotide within the consensus splice site.

NM_020806.5(GPHN):c.390G>A (p.Arg130=)

Gene: GPHN (gephyrin; plus strand). Cytogenetic location: 14q23.3.
Variant type: single nucleotide variant.
Coding change: c.390G>A on transcript NM_020806.5 (MANE Select); coding-DNA position 390, G replaced by A.
Protein change: p.Arg130=; no amino-acid change (arginine 130 retained).
Molecular consequence: synonymous variant.
Genome position (GRCh38, 1-based): chr14:66,916,003, G>A. VCF-style: chr14-66916003-G-A. GRCh37 (hg19) VCF-style: chr14-67382720-G-A.
Other names: c.390G>A, p.Arg130= (NM_001024218.2, NM_001377515.1, NM_001377516.1 and 2 more transcripts); c.429G>A, p.Arg143= (NM_001377514.1, NM_001377519.1).
Identifiers: ClinVar variation 2918495 (VCV002918495.3), dbSNP rs867680060, ClinGen allele CA486940841.